The following is an entry in ClinVar:

NM_013266.4(CTNNA3):c.2293TTG[1] (p.Leu766del)

Gene: CTNNA3 (catenin alpha 3; minus strand). Cytogenetic location: 10q21.3.
Variant type: Microsatellite.
Coding change: c.2293TTG[1] on transcript NM_013266.4 (MANE Select); one copy of the 3-base unit TTG starting at c.2293; the reference has two copies in a row; one copy, 3 bases deleted.
Protein change: p.Leu766del; deletes leucine 766.
Molecular consequence: inframe deletion.
Genome position (GRCh38, 1-based): chr10:65,966,714-65,966,716, CAA deleted on the plus strand (TTG on the coding strand, the reverse complement: CTNNA3 is on the minus strand); deleting any 3 consecutive bases within chr10:65,966,714-65,966,719 gives the same sequence; the position shown is the placement nearest the transcript's 3' end. VCF-style (leftmost placement, unchanged base first): chr10-65966713-CCAA-C. GRCh37 (hg19) VCF-style: chr10-67726471-CCAA-C.
Other names: alpha T catenin; c.2293TTG[1], p.Leu766del (NM_001127384.3); short protein forms L766del.
Identifiers: ClinVar variation 100657 (VCV000100657.4), dbSNP rs587777135, ClinGen allele CA150596.

ClinVar aggregate classification (germline): Pathogenic. Review status: no assertion criteria provided (0 of 4 stars). 3 submissions from 3 submitters: Pathogenic (2). 1 of the submissions does not count toward it. Last evaluated 2017-04-18.

Conditions:
Arrhythmogenic right ventricular dysplasia 13. Also called: ARRHYTHMOGENIC RIGHT VENTRICULAR CARDIOMYOPATHY 13; Arrhythmogenic right ventricular dysplasia, familial, 13. Identifiers: MedGen C3810138, MONDO:0000908, OMIM 615616.
Arrhythmogenic right ventricular cardiomyopathy (ARVD). Also called: Arrhythmogenic cardiomyopathy; Cardiomyopathy, ARVC; Arrhythmogenic right ventricular dysplasia; Arrhythmogenic Right Ventricular Cardiomyopathy (ARVC). Identifiers: Orphanet 247, MedGen C0349788, MeSH D019571, MONDO:0016587. Disease mechanism: loss of function. Inheritance: Various modes of inheritance.

Submissions (3):

Rampazzo Lab,  Human Molecular Genetics Unit, University of Padua
Classification: Pathogenic for Arrhythmogenic right ventricular cardiomyopathy. Last evaluated: 2017-04-18. Review status: no assertion criteria provided. Collection method: research. Allele origin: inherited, not applicable. Inheritance: Autosomal dominant inheritance. Affected: yes. Observed: 4 variant alleles.
Comment: This variant was not found in 250 ethnically matched healthy controls (500 chromosomes), in dbSNP, in 1000 Genomes Project database, in Exome Variant Server or in Exome Aggregation Consortium. The variation causes the deletion of leucine in position 765 and the affected residue is strongly conserved among species. Yeast two-hybrid and cell transfection studies showed that the p.del765L mutant protein had a much stronger dimerization potential and formed aggresomes in HEK293T cells.

OMIM
Classification: Pathogenic for ARRHYTHMOGENIC RIGHT VENTRICULAR DYSPLASIA, FAMILIAL, 13. Last evaluated: 2013-01-01. Review status: no assertion criteria provided. Collection method: literature only. Allele origin: germline.

GeneReviews
No classification provided. Condition: Arrhythmogenic right ventricular dysplasia 13. Review status: no classification provided. Collection method: literature only. Allele origin: germline. Not counted in ClinVar's aggregate classification.

Literature cited by the submitters: DOI 10.1093/eurheartj/ehs373 (cited by Rampazzo Lab,  Human Molecular Genetics Unit, University of Padua); PubMed 23136403 (cited by OMIM and GeneReviews).